The following is an entry in ClinVar:

ClinVar aggregate classification (germline): Uncertain significance (1 of 4 stars; one submission).

Conditions:
Episodic kinesigenic dyskinesia (EKD). Also called: Paroxysmal kinesigenic dyskinesia. Identifiers: Orphanet 98809, MedGen C1868682, MONDO:0044202.

Submission:

Labcorp Genetics (formerly Invitae), Labcorp
Classification: Uncertain significance for Episodic kinesigenic dyskinesia. Last evaluated: 2022-10-17. Review status: criteria provided, single submitter. Criteria: Invitae Variant Classification Sherloc (09022015). Collection method: clinical testing. Allele origin: germline.
Comment: This sequence change replaces proline, which is neutral and non-polar, with arginine, which is basic and polar, at codon 254 of the PRRT2 protein (p.Pro254Arg). In summary, the available evidence is currently insufficient to determine the role of this variant in disease. Therefore, it has been classified as a Variant of Uncertain Significance. Advanced modeling of protein sequence and biophysical properties (such as structural, functional, and spatial information, amino acid conservation, physicochemical variation, residue mobility, and thermodynamic stability) performed at Invitae indicates that this missense variant is not expected to disrupt PRRT2 protein function. This variant has not been reported in the literature in individuals affected with PRRT2-related conditions. This variant is not present in population databases (gnomAD no frequency).

NM_145239.3(PRRT2):c.761C>G (p.Pro254Arg)

Genes: MVP-DT (MVP divergent transcript; minus strand), PRRT2 (proline rich transmembrane protein 2; plus strand). Cytogenetic location: 16p11.2.
Variant type: single nucleotide variant.
Coding change: c.761C>G on transcript NM_145239.3 (MANE Select); coding-DNA position 761, C replaced by G.
Protein change: p.Pro254Arg; replaces proline 254 with arginine.
Molecular consequence: missense variant.
Genome position (GRCh38, 1-based): chr16:29,813,815, C>G. VCF-style: chr16-29813815-C-G. GRCh37 (hg19) VCF-style: chr16-29825136-C-G.
Other names: c.761C>G, p.Pro254Arg (NM_001256442.2, NM_001256443.2); short protein forms P254R.
Identifiers: ClinVar variation 1938618 (VCV001938618.5), dbSNP rs775780478, ClinGen allele CA395479589.